The following is an entry in ClinVar:

ClinVar aggregate classification (germline): Uncertain significance (1 of 4 stars; one submission).

Conditions:
Holoprosencephaly sequence (HPE). Also called: Holoprosencephaly. Identifiers: Orphanet 2162, MedGen C0079541, MONDO:0016296, HP:0001360.

Allele frequency attached by ClinVar (database versions not stated): gnomAD 0.00001; gnomAD exomes 0.00001; TOPMed 0.00001; ESP Exome Variant Server 0.00008.
gnomAD v4.1: 6 of 1,614,056 alleles (0.00037%); highest among the groups gnomAD compares: Non-Finnish European, 0.00051%; no homozygotes.

Submission:

Illumina Laboratory Services, Illumina
Classification: Uncertain significance for Holoprosencephaly sequence. Last evaluated: 2021-01-19. Review status: criteria provided, single submitter. Criteria: ICSLVariantClassificationCriteria RUGD 01 April 2020. Collection method: clinical testing. Allele origin: unknown.
Comment: The DISP1 c.1916C>T p.(Thr639Ile) missense variant has not, to our knowledge, been reported in the peer-reviewed literature. The highest frequency of this allele in the Genome Aggregation Database is 0.000007 in the European (non-Finnish) population (version 4.0.0). The variant is located in the last exon, where it affects a conserved residue in a transmembrane domain. Based on the limited evidence, the c.1916C>T p.(Thr639Ile) variant is classified as a variant of uncertain significance for holoprosencephaly.

NM_001377229.1(DISP1):c.1916C>T (p.Thr639Ile)

Gene: DISP1 (dispatched RND transporter family member 1; plus strand). Cytogenetic location: 1q41.
Variant type: single nucleotide variant.
Coding change: c.1916C>T on transcript NM_001377229.1 (MANE Select); coding-DNA position 1916, C replaced by T.
Protein change: p.Thr639Ile; replaces threonine 639 with isoleucine.
Molecular consequence: missense variant.
Genome position (GRCh38, 1-based): chr1:223,003,313, C>T. VCF-style: chr1-223003313-C-T. GRCh37 (hg19) VCF-style: chr1-223176655-C-T.
Other names: c.1187C>T, p.Thr396Ile (NM_001350630.2); c.1916C>T, p.Thr639Ile (NM_001369594.1, NM_001377228.1, NM_032890.5); short protein forms T396I, T639I.
Identifiers: ClinVar variation 3062107 (VCV003062107.1), dbSNP rs375928938, ClinGen allele CA38407811.